The following is an entry in ClinVar:

ClinVar aggregate classification (germline): Likely benign. Review status: criteria provided, multiple submitters, no conflicts (2 of 4 stars). 2 submissions from 2 submitters: Likely benign (2). Last evaluated 2025-05-08.

Conditions:
NTRK2-related disorder. Also called: NTRK2-related condition.

Allele frequency attached by ClinVar (database versions not stated): TOPMed below 0.00001; gnomAD exomes 0.00001.
gnomAD v4.1: 4 of 1,613,108 alleles (0.00025%); highest among the groups gnomAD compares: East Asian, 0.0022%; no homozygotes.

Submissions (2):

PreventionGenetics, part of Exact Sciences
Classification: Likely benign for NTRK2-related condition. Last evaluated: 2025-05-08. Review status: criteria provided, single submitter. Criteria: ACMG Guidelines, 2015. Collection method: clinical testing. Allele origin: germline.
Comment: This variant is classified as likely benign based on ACMG/AMP sequence variant interpretation guidelines (Richards et al. 2015 PMID: 25741868, with internal and published modifications).

Labcorp Genetics (formerly Invitae), Labcorp
Classification: Likely benign. Last evaluated: 2023-09-10. Review status: criteria provided, single submitter. Criteria: Invitae Variant Classification Sherloc (09022015). Collection method: clinical testing. Allele origin: germline.

NM_006180.6(NTRK2):c.399A>G (p.Lys133=)

Gene: NTRK2 (neurotrophic receptor tyrosine kinase 2; plus strand). Cytogenetic location: 9q21.33.
Variant type: single nucleotide variant.
Coding change: c.399A>G on transcript NM_006180.6 (MANE Select); coding-DNA position 399, A replaced by G.
Protein change: p.Lys133=; no amino-acid change (lysine 133 retained).
Molecular consequence: synonymous variant. On other transcripts: 5 prime UTR variant (5).
Genome position (GRCh38, 1-based): chr9:84,707,883, A>G. VCF-style: chr9-84707883-A-G. GRCh37 (hg19) VCF-style: chr9-87322798-A-G.
Other names: c.399A>G, p.Lys133= (NM_001007097.3, NM_001018064.3, NM_001018065.2 and 19 more transcripts); c.-70A>G (NM_001369535.1, NM_001369536.1, NM_001369550.1 and 2 more transcripts); c.399A>G (NM_006180.4).
Identifiers: ClinVar variation 2997232 (VCV002997232.4), dbSNP rs78380801, ClinGen allele CA195744108.